The following is an entry in ClinVar:

NM_001352514.2(HLCS):c.794_795del (p.Glu265fs)

Gene: HLCS (holocarboxylase synthetase; minus strand). Cytogenetic location: 21q22.13.
Variant type: Deletion.
Coding change: c.794_795del on transcript NM_001352514.2 (MANE Select); coding-DNA positions 794 to 795, 2 bases deleted (AG; older notation c.794_795delAG).
Protein change: p.Glu265fs; shifts the reading frame from glutamic acid 265.
Molecular consequence: frameshift variant. On other transcripts: non-coding transcript variant (2).
Genome position (GRCh38, 1-based): chr21:36,937,091-36,937,092, CT deleted on the plus strand (AG on the coding strand, the reverse complement: HLCS is on the minus strand); deleting any 2 consecutive bases within chr21:36,937,091-36,937,093 gives the same sequence; the c. name uses the placement nearest the transcript's 3' end. VCF-style (leftmost placement, unchanged base first): chr21-36937090-ACT-A. GRCh37 (hg19) VCF-style: chr21-38309390-ACT-A.
Other names: c.353_354del, p.Glu118fs (NM_000411.8, NM_001242784.3, NM_001242785.2 and 4 more transcripts); short protein forms E118fs, E265fs.
Identifiers: ClinVar variation 1726786 (VCV001726786.2), dbSNP rs2517581052, ClinGen allele CA2580098721.

ClinVar aggregate classification (germline): Likely pathogenic (1 of 4 stars; one submission).

Conditions:
Holocarboxylase synthetase deficiency. Also called: MULTIPLE CARBOXYLASE DEFICIENCY, EARLY ONSET. Identifiers: Orphanet 79242, MedGen C0268581, MONDO:0009666, OMIM 253270.

Submission:

Myriad Genetics, Inc.
Classification: Likely pathogenic for Holocarboxylase synthetase deficiency. Last evaluated: 2022-01-02. Review status: criteria provided, single submitter. Criteria: Myriad Women's Health Autosomal Recessive and X-Linked Classification Criteria (2021). Collection method: clinical testing. Allele origin: unknown.
Comment: NM_000411.6(HLCS):c.353_354delAG(E118Vfs*18) is expected to be pathogenic in the context of holocarboxylase synthetase deficiency. This variant is predicted to lead to an abnormal or absent protein product due to the creation of a premature termination codon in HLCS, a gene where loss-of-function variants are known to be pathogenic. Please note: this variant was assessed in the context of healthy population screening.